The following is an entry in ClinVar:

ClinVar aggregate classification (germline): Uncertain significance (1 of 4 stars; one submission).

Submission:

GeneDx
Classification: Uncertain significance. Last evaluated: 2025-02-21. Review status: criteria provided, single submitter. Criteria: GeneDx Variant Classification Process June 2021. Collection method: clinical testing. Allele origin: germline. Affected: yes.
Comment: Not observed at significant frequency in large population cohorts (gnomAD); In silico analysis supports that this missense variant has a deleterious effect on protein structure/function; Has not been previously published as pathogenic or benign to our knowledge

NM_000829.4(GRIA4):c.1489G>A (p.Ala497Thr)

Gene: GRIA4 (glutamate ionotropic receptor AMPA type subunit 4; plus strand). Cytogenetic location: 11q22.3.
Variant type: single nucleotide variant.
Coding change: c.1489G>A on transcript NM_000829.4 (MANE Select); coding-DNA position 1489, G replaced by A.
Protein change: p.Ala497Thr; replaces alanine 497 with threonine.
Molecular consequence: missense variant. On other transcripts: non-coding transcript variant (1), intron variant (2).
Genome position (GRCh38, 1-based): chr11:105,924,411, G>A. VCF-style: chr11-105924411-G-A. GRCh37 (hg19) VCF-style: chr11-105795137-G-A.
Other names: c.1489G>A, p.Ala497Thr (NM_001077243.3, NM_001440382.1, NM_001440383.1 and 10 more transcripts); c.1468G>A, p.Ala490Thr (NM_001440388.1, NM_001440389.1, NM_001440390.1); c.1282G>A, p.Ala428Thr (NM_001440394.1); c.1455+5514G>A (NM_001440398.1); c.1158+19110G>A (NM_001440399.1); short protein forms A428T, A490T, A497T.
Identifiers: ClinVar variation 4076932 (VCV004076932.1).
Genomic context (GRCh38, chr11:105,924,411, plus strand): 5'-CATGAAATTCATTAACCTATGTGTCTCCATGTGTTTTTTCTCTTATAGAAAGCAGAGATT[G>A]CTATTGCCCCTCTGACAATCACTTTGGTACGAGAGGAGGTCATTGACTTTTCTAAGCCCT-3'
Protein context (NP_000820.4, residues 487-507): GELVYGKAEI[Ala497Thr]IAPLTITLVR